The following is an entry in ClinVar:

NM_000550.3(TYRP1):c.386-1G>A

Gene: TYRP1 (tyrosinase related protein 1; plus strand). Cytogenetic location: 9p23.
Variant type: single nucleotide variant.
Coding change: c.386-1G>A on transcript NM_000550.3 (MANE Select); the canonical splice acceptor site of the intron before coding-DNA position 386, G replaced by A.
Molecular consequence: splice acceptor variant.
Genome position (GRCh38, 1-based): chr9:12,695,514, G>A. VCF-style: chr9-12695514-G-A. GRCh37 (hg19) VCF-style: chr9-12695514-G-A.
Identifiers: ClinVar variation 1901640 (VCV001901640.5), dbSNP rs758183474, ClinGen allele CA4985216.
Genomic context (GRCh38, chr9:12,695,514, plus strand): 5'-TCTTTCTCTACCCATCCCCGCAAGGCAGATGTTTTCATGCTTGAATTTTGTATCCCTAAA[G>A]TCAGGAGAAATCTTCTGGACTTAAGTAAAGAAGAAAAGAACCACTTTGTCCGGGCCCTGG-3'

ClinVar aggregate classification (germline): Likely pathogenic (1 of 4 stars; one submission).

Allele frequency attached by ClinVar (database versions not stated): ExAC 0.00001; gnomAD 0.00001; TOPMed 0.00001.

Submission:

Labcorp Genetics (formerly Invitae), Labcorp
Classification: Likely pathogenic. Last evaluated: 2023-02-14. Review status: criteria provided, single submitter. Criteria: Invitae Variant Classification Sherloc (09022015). Collection method: clinical testing. Allele origin: germline.
Comment: In summary, the currently available evidence indicates that the variant is pathogenic, but additional data are needed to prove that conclusively. Therefore, this variant has been classified as Likely Pathogenic. This sequence change affects an acceptor splice site in intron 2 of the TYRP1 gene. It is expected to disrupt RNA splicing. Variants that disrupt the donor or acceptor splice site typically lead to a loss of protein function (PMID: 16199547), and loss-of-function variants in TYRP1 are known to be pathogenic (PMID: 8651291, 9345097). This variant is present in population databases (rs758183474, gnomAD 0.002%). This variant has not been reported in the literature in individuals affected with TYRP1-related conditions. Algorithms developed to predict the effect of sequence changes on RNA splicing suggest that this variant may disrupt the consensus splice site.

Literature cited by the submitters: PubMed 16199547; PubMed 8651291; PubMed 9345097.